The following is an entry in ClinVar:

NM_014795.4(ZEB2):c.1161A>G (p.Leu387=)

Gene: ZEB2 (zinc finger E-box binding homeobox 2; minus strand). Cytogenetic location: 2q22.3.
Variant type: single nucleotide variant.
Coding change: c.1161A>G on transcript NM_014795.4 (MANE Select); coding-DNA position 1161, A replaced by G.
Protein change: p.Leu387=; no amino-acid change (leucine 387 retained).
Molecular consequence: synonymous variant.
Genome position (GRCh38, 1-based): chr2:144,400,026, T>C on the plus strand (A>G on the coding strand, the complement: ZEB2 is on the minus strand). VCF-style: chr2-144400026-T-C. GRCh37 (hg19) VCF-style: chr2-145157593-T-C.
Other names: p.L387L:TTA>TTG; c.1089A>G, p.Leu363= (NM_001171653.2).
Identifiers: ClinVar variation 95618 (VCV000095618.91), dbSNP rs146673563, ClinGen allele CA148668.

ClinVar aggregate classification (germline): Benign/Likely benign. Review status: criteria provided, multiple submitters, no conflicts (2 of 4 stars). 12 submissions from 12 submitters: Benign (6); Likely benign (6). Last evaluated 2026-06-01.

Conditions:
Inborn genetic diseases. Identifiers: MedGen C0950123, MeSH D030342.
Mowat-Wilson syndrome (MOWS). Also called: Classic Mowat-Wilson Syndrome. Identifiers: Orphanet 2152, MedGen C1856113, MONDO:0009341, OMIM 235730.

Allele frequency attached by ClinVar (database versions not stated): ExAC 0.00095; 1000 Genomes Project 30x 0.00078; gnomAD 0.00084; TOPMed 0.00096; ESP Exome Variant Server 0.00100; gnomAD exomes 0.00103 and 0.00094; 1000 Genomes Project 0.00080.
gnomAD v4.1: 1,626 of 1,614,214 alleles (0.1%); highest among the groups gnomAD compares: Admixed American, 0.13%; 2 homozygotes.

Submissions (12):

CeGaT Center for Human Genetics Tuebingen
Classification: Likely benign. Last evaluated: 2026-06-01. Review status: criteria provided, single submitter. Criteria: CeGaT Center For Human Genetics Tuebingen Variant Classification Criteria Version 2. Collection method: clinical testing. Allele origin: germline. Affected: yes. Observed: 15 variant alleles.
Comment: ZEB2: BP4, BP7, BS1

Labcorp Genetics (formerly Invitae), Labcorp
Classification: Benign for Mowat-Wilson syndrome. Last evaluated: 2026-02-02. Review status: criteria provided, single submitter. Criteria: Invitae Variant Classification Sherloc (09022015). Collection method: clinical testing. Allele origin: germline.

Blueprint Genetics
Classification: Likely benign. Last evaluated: 2024-10-17. Review status: criteria provided, single submitter. Criteria: ACMG Guidelines, 2015. Collection method: clinical testing. Allele origin: germline.

Athena Diagnostics
Classification: Benign. Last evaluated: 2024-04-04. Review status: criteria provided, single submitter. Criteria: Athena Diagnostics Criteria. Collection method: clinical testing. Allele origin: unknown.

ARUP Laboratories, Molecular Genetics and Genomics, ARUP Laboratories
Classification: Benign for Mowat-Wilson syndrome. Last evaluated: 2023-10-09. Review status: criteria provided, single submitter. Criteria: ARUP Molecular Germline Variant Investigation Process 2024. Collection method: clinical testing. Allele origin: germline.

Genome-Nilou Lab
Classification: Benign for Mowat-Wilson syndrome. Last evaluated: 2021-11-07. Review status: criteria provided, single submitter. Criteria: ACMG Guidelines, 2015. Collection method: clinical testing. Allele origin: germline. Affected: no.

Fulgent Genetics
Classification: Likely benign for Mowat-Wilson syndrome. Last evaluated: 2021-10-29. Review status: criteria provided, single submitter. Criteria: ACMG Guidelines, 2015. Collection method: clinical testing. Allele origin: unknown.

Ambry Genetics
Classification: Likely benign for Inborn genetic diseases. Last evaluated: 2016-04-29. Review status: criteria provided, single submitter. Criteria: Ambry Variant Classification Scheme 2023. Collection method: clinical testing. Allele origin: germline.

Genetic Services Laboratory, University of Chicago
Classification: Likely benign. Last evaluated: 2015-01-23. Review status: criteria provided, single submitter. Criteria: ACMG Guidelines, 2015. Collection method: clinical testing. Allele origin: germline.

GeneDx
Classification: Benign. Last evaluated: 2013-12-01. Review status: criteria provided, single submitter. Criteria: GeneDx Variant Classification (06012015). Collection method: clinical testing. Allele origin: germline. Affected: yes.
Comment: This variant is considered likely benign or benign based on one or more of the following criteria: it is a conservative change, it occurs at a poorly conserved position in the protein, it is predicted to be benign by multiple in silico algorithms, and/or has population frequency not consistent with disease.

Eurofins Ntd Llc (ga)
Classification: Benign. Last evaluated: 2012-08-09. Review status: criteria provided, single submitter. Criteria: EGL Classification Definitions 2015. Collection method: clinical testing. Allele origin: germline. Observed: 1 variant allele, 1 heterozygote.

Breakthrough Genomics
Classification: Likely benign. Review status: criteria provided, single submitter. Criteria: ACMG Guidelines, 2015. Collection method: not provided. Allele origin: germline. Inheritance: Autosomal dominant inheritance. Affected: yes.